The following is an entry in ClinVar:

NM_152564.5(VPS13B):c.8490C>A (p.Asp2830Glu)

Gene: VPS13B (vacuolar protein sorting 13 homolog B; plus strand). Cytogenetic location: 8q22.2.
Variant type: single nucleotide variant.
Coding change: c.8490C>A on transcript NM_152564.5 (MANE Select); coding-DNA position 8490, C replaced by A.
Protein change: p.Asp2830Glu; replaces aspartic acid 2830 with glutamic acid.
Molecular consequence: missense variant.
Genome position (GRCh38, 1-based): chr8:99,818,757, C>A. VCF-style: chr8-99818757-C-A. GRCh37 (hg19) VCF-style: chr8-100830985-C-A.
Other names: c.8565C>A, p.Asp2855Glu (NM_017890.5); short protein forms D2855E, D2830E.
Identifiers: ClinVar variation 2162265 (VCV002162265.4), dbSNP rs1814194580, ClinGen allele CA371774330.

ClinVar aggregate classification (germline): Uncertain significance (1 of 4 stars; one submission).

Conditions:
Cohen syndrome (COH1). Also called: Cutis verticis gyrata, retinitis pigmentosa, and sensorineural deafness; PEPPER SYNDROME. Identifiers: Orphanet 193, MedGen C0265223, MONDO:0008999, OMIM 216550.

Submission:

Labcorp Genetics (formerly Invitae), Labcorp
Classification: Uncertain significance for Cohen syndrome. Last evaluated: 2022-06-18. Review status: criteria provided, single submitter. Criteria: Invitae Variant Classification Sherloc (09022015). Collection method: clinical testing. Allele origin: germline.
Comment: This variant has not been reported in the literature in individuals affected with VPS13B-related conditions. This variant is not present in population databases (gnomAD no frequency). This sequence change replaces aspartic acid, which is acidic and polar, with glutamic acid, which is acidic and polar, at codon 2855 of the VPS13B protein (p.Asp2855Glu). Algorithms developed to predict the effect of missense changes on protein structure and function are either unavailable or do not agree on the potential impact of this missense change (SIFT: "Not Available"; PolyPhen-2: "Benign"; Align-GVGD: "Not Available"). In summary, the available evidence is currently insufficient to determine the role of this variant in disease. Therefore, it has been classified as a Variant of Uncertain Significance.